The following is an entry in ClinVar:

NM_006662.3(SRCAP):c.8839G>T (p.Asp2947Tyr)

Gene: SRCAP (Snf2 related CREBBP activator protein; plus strand). Cytogenetic location: 16p11.2.
Variant type: single nucleotide variant.
Coding change: c.8839G>T on transcript NM_006662.3 (MANE Select); coding-DNA position 8839, G replaced by T.
Protein change: p.Asp2947Tyr; replaces aspartic acid 2947 with tyrosine.
Molecular consequence: missense variant.
Genome position (GRCh38, 1-based): chr16:30,738,879, G>T. VCF-style: chr16-30738879-G-T. GRCh37 (hg19) VCF-style: chr16-30750200-G-T.
Other names: short protein forms D2947Y.
Identifiers: ClinVar variation 4984015 (VCV004984015.1).

ClinVar aggregate classification (germline): Uncertain significance (1 of 4 stars; one submission).

Conditions:
SRCAP-related disorder. Also called: SRCAP-related condition.

gnomAD v4.1: 1 of 1,614,010 alleles (0.000062%); highest among the groups gnomAD compares: African/African-American, 0.0013%; no homozygotes.

Submission:

PreventionGenetics, part of Exact Sciences
Classification: Uncertain significance for SRCAP-related condition. Last evaluated: 2026-01-02. Review status: criteria provided, single submitter. Criteria: ACMG Guidelines, 2015. Collection method: clinical testing. Allele origin: germline.
Comment: The SRCAP c.8839G>T variant is predicted to result in the amino acid substitution p.Asp2947Tyr. To our knowledge, this variant has not been reported in the literature. This variant is reported in 0.0062% of alleles in individuals of African descent in gnomAD. At this time, the clinical significance of this variant is uncertain due to the absence of conclusive functional and genetic evidence.